The following is an entry in ClinVar:

NM_021729.6(VPS11):c.1349A>G (p.Asn450Ser)

Gene: VPS11 (VPS11 core subunit of CORVET and HOPS complexes; plus strand). Cytogenetic location: 11q23.3.
Variant type: single nucleotide variant.
Coding change: c.1349A>G on transcript NM_021729.6 (MANE Select); coding-DNA position 1349, A replaced by G.
Protein change: p.Asn450Ser; replaces asparagine 450 with serine.
Molecular consequence: missense variant. On other transcripts: non-coding transcript variant (8).
Genome position (GRCh38, 1-based): chr11:119,077,007, A>G. VCF-style: chr11-119077007-A-G. GRCh37 (hg19) VCF-style: chr11-118947717-A-G.
Other names: c.1319A>G, p.Asn440Ser (NM_001290185.2); c.1361A>G, p.Asn454Ser (NM_001378218.1, NM_001378219.1); c.1334A>G, p.Asn445Ser (NM_001378220.1); c.1331A>G, p.Asn444Ser (NM_001378221.1); short protein forms N445S, N450S, N454S, N440S, N444S.
Identifiers: ClinVar variation 2072187 (VCV002072187.1), dbSNP rs367865762, ClinGen allele CA6313401.

ClinVar aggregate classification (germline): Uncertain significance (1 of 4 stars; one submission).

Allele frequency attached by ClinVar (database versions not stated): ExAC 0.00005; gnomAD 0.00006; TOPMed 0.00006; ESP Exome Variant Server 0.00008; gnomAD exomes 0.00011.
gnomAD v4.1: 170 of 1,613,904 alleles (0.011%); highest among the groups gnomAD compares: Non-Finnish European, 0.014%; no homozygotes.

Submission:

Labcorp Genetics (formerly Invitae), Labcorp
Classification: Uncertain significance. Last evaluated: 2022-06-22. Review status: criteria provided, single submitter. Criteria: Invitae Variant Classification Sherloc (09022015). Collection method: clinical testing. Allele origin: germline.
Comment: This sequence change replaces asparagine, which is neutral and polar, with serine, which is neutral and polar, at codon 450 of the VPS11 protein (p.Asn450Ser). This variant is present in population databases (rs367865762, gnomAD 0.01%). This variant has not been reported in the literature in individuals affected with VPS11-related conditions. Experimental studies and prediction algorithms are not available or were not evaluated, and the functional significance of this variant is currently unknown. In summary, the available evidence is currently insufficient to determine the role of this variant in disease. Therefore, it has been classified as a Variant of Uncertain Significance.